The following is an entry in ClinVar:

NM_003601.4(SMARCA5):c.868C>A (p.Leu290Ile)

Gene: SMARCA5 (SNF2 related chromatin remodeling ATPase 5; plus strand). Cytogenetic location: 4q31.21.
Variant type: single nucleotide variant.
Coding change: c.868C>A on transcript NM_003601.4 (MANE Select); coding-DNA position 868, C replaced by A.
Protein change: p.Leu290Ile; replaces leucine 290 with isoleucine.
Molecular consequence: missense variant.
Genome position (GRCh38, 1-based): chr4:143,527,934, C>A. VCF-style: chr4-143527934-C-A. GRCh37 (hg19) VCF-style: chr4-144449087-C-A.
Other names: short protein forms L290I.
Identifiers: ClinVar variation 4631625 (VCV004631625.1).

ClinVar aggregate classification (germline): Uncertain significance (1 of 4 stars; one submission).

Conditions:
Inborn genetic diseases. Identifiers: MedGen C0950123, MeSH D030342.

Submission:

Ambry Genetics
Classification: Uncertain significance for Inborn genetic diseases. Last evaluated: 2025-10-02. Review status: criteria provided, single submitter. Criteria: Ambry Variant Classification Scheme 2023. Collection method: clinical testing. Allele origin: germline.
Comment: The c.868C>A (p.L290I) alteration is located in exon 7 (coding exon 7) of the SMARCA5 gene. This alteration results from a C to A substitution at nucleotide position 868, causing the leucine (L) at amino acid position 290 to be replaced by an isoleucine (I). Based on data from gnomAD, the A allele has an overall frequency of <0.001% (0/240688) total alleles studied. The highest observed frequency was <0.001% (/) of alleles. Based on insufficient or conflicting evidence, the clinical significance of this alteration remains unclear.